The following is an entry in ClinVar:

ClinVar aggregate classification (germline): not provided (0 of 4 stars; one submission).

Allele frequency attached by ClinVar (database versions not stated): gnomAD 0.00001; gnomAD exomes 0.00001 and 0.00004; ExAC 0.00002; TOPMed 0.00002.

Submission:

ITMI
No classification provided. Condition: AllHighlyPenetrant. Last evaluated: 2013-09-19. Review status: no classification provided. Collection method: reference population. Allele origin: germline.
Comment: Please see associated publication for description of ethnicities

Literature cited by the submitters: PubMed 24728327.

NM_001386298.1(CIC):c.6329G>A (p.Gly2110Asp)

Gene: CIC (capicua transcriptional repressor; plus strand). Cytogenetic location: 19q13.2.
Variant type: single nucleotide variant.
Coding change: c.6329G>A on transcript NM_001386298.1 (MANE Select); coding-DNA position 6329, G replaced by A.
Protein change: p.Gly2110Asp; replaces glycine 2110 with aspartic acid.
Molecular consequence: missense variant.
Genome position (GRCh38, 1-based): chr19:42,293,088, G>A. VCF-style: chr19-42293088-G-A. GRCh37 (hg19) VCF-style: chr19-42797240-G-A.
Other names: c.6329G>A, p.Gly2110Asp (NM_001304815.2, NM_001379482.1); c.6326G>A, p.Gly2109Asp (NM_001379480.1); c.3602G>A, p.Gly1201Asp (NM_001379484.1, NM_001379485.1, NM_015125.5); short protein forms G1201D, G2110D, G2109D.
Identifiers: ClinVar variation 133912 (VCV000133912.1), dbSNP rs587778203, ClinGen allele CA158142.